The following is an entry in ClinVar:

NM_002858.4(ABCD3):c.1531-5G>A

Gene: ABCD3 (ATP binding cassette subfamily D member 3; plus strand). Cytogenetic location: 1p21.3.
Variant type: single nucleotide variant.
Coding change: c.1531-5G>A on transcript NM_002858.4 (MANE Select); 5 bases into the intron before coding-DNA position 1531, G replaced by A.
Molecular consequence: intron variant.
Genome position (GRCh38, 1-based): chr1:94,498,940, G>A. VCF-style: chr1-94498940-G-A. GRCh37 (hg19) VCF-style: chr1-94964496-G-A.
Other names: c.1531-5G>A (NM_002858.3).
Identifiers: ClinVar variation 2076504 (VCV002076504.5), dbSNP rs371002931, ClinGen allele CA960487.

ClinVar aggregate classification (germline): Likely benign. Review status: criteria provided, multiple submitters, no conflicts (2 of 4 stars). 2 submissions from 2 submitters: Likely benign (2). Last evaluated 2026-02-24.

Conditions:
ABCD3-related disorder. Also called: ABCD3-related condition.

Allele frequency attached by ClinVar (database versions not stated): ExAC 0.00006; gnomAD 0.00013; ESP Exome Variant Server 0.00015; TOPMed 0.00017; gnomAD exomes 0.00023.
gnomAD v4.1: 378 of 1,613,038 alleles (0.023%); highest among the groups gnomAD compares: Non-Finnish European, 0.029%; no homozygotes.

Submissions (2):

PreventionGenetics, part of Exact Sciences
Classification: Likely benign for ABCD3-related condition. Last evaluated: 2026-02-24. Review status: criteria provided, single submitter. Criteria: ACMG Guidelines, 2015. Collection method: clinical testing. Allele origin: germline.
Comment: This variant is classified as likely benign based on ACMG/AMP sequence variant interpretation guidelines (Richards et al. 2015 PMID: 25741868, with internal and published modifications).

Labcorp Genetics (formerly Invitae), Labcorp
Classification: Likely benign. Last evaluated: 2025-05-08. Review status: criteria provided, single submitter. Criteria: Invitae Variant Classification Sherloc (09022015). Collection method: clinical testing. Allele origin: germline.